The following is an entry in ClinVar:

NM_000178.4(GSS):c.1407C>A (p.Asp469Glu)

Gene: GSS (glutathione synthetase; minus strand). Cytogenetic location: 20q11.22.
Variant type: single nucleotide variant.
Coding change: c.1407C>A on transcript NM_000178.4 (MANE Select); coding-DNA position 1407, C replaced by A.
Protein change: p.Asp469Glu; replaces aspartic acid 469 with glutamic acid.
Molecular consequence: missense variant.
Genome position (GRCh38, 1-based): chr20:34,928,846, G>T on the plus strand (C>A on the coding strand, the complement: GSS is on the minus strand). VCF-style: chr20-34928846-G-T. GRCh37 (hg19) VCF-style: chr20-33516649-G-T.
Other names: c.1407C>A, p.Asp469Glu (NM_001322494.1, NM_001322495.1); short protein forms D469E.
Identifiers: ClinVar variation 1163158 (VCV001163158.6), dbSNP rs1419704426, ClinGen allele CA408699699.
Genomic context (GRCh38, chr20:34,928,846, plus strand): 5'-ACAAATACAGAGGATAGAAGGTCCCGTGGCCTGGTTGTGCCCTCACACAGGGTATGGGTT[G>T]TCCAGGACTGCCACTCCCGCTGCCACACCACCATCTGCATGCTCGATGGCTTTGGTTCGA-3'
Protein context (NP_000169.1, residues 459-474): GGVAAGVAVL[Asp469Glu]NPYPV

ClinVar aggregate classification (germline): Uncertain significance. Review status: criteria provided, multiple submitters, no conflicts (2 of 4 stars). 2 submissions from 2 submitters: Uncertain significance (2). Last evaluated 2023-07-19.

Allele frequency attached by ClinVar (database versions not stated): gnomAD exomes below 0.00001 and 0.00002.
gnomAD v4.1: 22 of 1,614,072 alleles (0.0014%); highest among the groups gnomAD compares: Non-Finnish European, 0.0019%; no homozygotes.

Submissions (2):

Women's Health and Genetics/Laboratory Corporation of America, LabCorp
Classification: Uncertain significance. Last evaluated: 2023-07-19. Review status: criteria provided, single submitter. Criteria: LabCorp Variant Classification Summary - May 2015. Collection method: clinical testing. Allele origin: germline.
Comment: Variant summary: GSS c.1407C>A (p.Asp469Glu) results in a conservative amino acid change to a highly conserved residue (HGMD) in the encoded protein sequence. Four of five in-silico tools predict a damaging effect of the variant on protein function. The variant allele was found at a frequency of 4e-06 in 251370 control chromosomes (gnomAD). c.1407C>A has been reported in the literature in an individual affected with severe Glutathione Synthetase Deficiency (Dahl_1997), and they were reported as compound heterozygous with another variant that may be pathogenic. These data suggest the variant may be associated with disease. To our knowledge, no experimental evidence demonstrating an impact on protein function has been reported. The following publication has been ascertained in the context of this evaluation (PMID: 9215686). One submitter has cited a clinical-significance assessment for this variant to ClinVar after 2014 and has classified the variant as uncertain significance. Based on the evidence outlined above, the variant was classified as VUS-possibly pathogenic.

Mayo Clinic Laboratories, Mayo Clinic
Classification: Uncertain significance. Last evaluated: 2020-08-04. Review status: criteria provided, single submitter. Criteria: ACMG Guidelines, 2015. Collection method: clinical testing. Allele origin: germline. Observed: 1 variant allele.

Literature cited by the submitters: PubMed 9215686 (cited by Women's Health and Genetics/Laboratory Corporation of America, LabCorp).